The following is an entry in ClinVar:

ClinVar aggregate classification (germline): Uncertain significance (1 of 4 stars; one submission).

Conditions:
Juvenile polyposis syndrome (JPS). Identifiers: Orphanet 2929, MedGen C0345893, MONDO:0017380, OMIM 174900.

Submission:

Labcorp Genetics (formerly Invitae), Labcorp
Classification: Uncertain significance for Juvenile polyposis syndrome. Last evaluated: 2020-03-29. Review status: criteria provided, single submitter. Criteria: Invitae Variant Classification Sherloc (09022015). Collection method: clinical testing. Allele origin: germline.
Comment: This sequence change replaces leucine with valine at codon 307 of the BMPR1A protein (p.Leu307Val). The leucine residue is highly conserved and there is a small physicochemical difference between leucine and valine. This variant is not present in population databases (ExAC no frequency). This variant has not been reported in the literature in individuals with BMPR1A-related conditions. Algorithms developed to predict the effect of missense changes on protein structure and function (SIFT, PolyPhen-2, Align-GVGD) all suggest that this variant is likely to be disruptive, but these predictions have not been confirmed by published functional studies and their clinical significance is uncertain. In summary, the available evidence is currently insufficient to determine the role of this variant in disease. Therefore, it has been classified as a Variant of Uncertain Significance.

NM_004329.3(BMPR1A):c.919T>G (p.Leu307Val)

Gene: BMPR1A (bone morphogenetic protein receptor type 1A; plus strand). Cytogenetic location: 10q23.2.
Variant type: single nucleotide variant.
Coding change: c.919T>G on transcript NM_004329.3 (MANE Select); coding-DNA position 919, T replaced by G.
Protein change: p.Leu307Val; replaces leucine 307 with valine.
Molecular consequence: missense variant.
Genome position (GRCh38, 1-based): chr10:86,919,222, T>G. VCF-style: chr10-86919222-T-G. GRCh37 (hg19) VCF-style: chr10-88678979-T-G.
Other names: short protein forms L307V.
Identifiers: ClinVar variation 1044580 (VCV001044580.9), dbSNP rs1843622475, ClinGen allele CA377460027.